The following is an entry in ClinVar:

ClinVar aggregate classification (germline): Likely pathogenic (1 of 4 stars; one submission).

Conditions:
Dilated cardiomyopathy 1G (CMD1G). Identifiers: Orphanet 154, MedGen C1858763, MONDO:0011400, OMIM 604145.
Autosomal recessive limb-girdle muscular dystrophy type 2J (LGMDR10). Also called: Limb-girdle muscular dystrophy, type 2J; MUSCULAR DYSTROPHY, LIMB-GIRDLE, AUTOSOMAL RECESSIVE 10. Identifiers: Orphanet 140922, MedGen C1837342, MONDO:0012127, OMIM 608807.

Submission:

Labcorp Genetics (formerly Invitae), Labcorp
Classification: Likely pathogenic for Dilated cardiomyopathy 1G; Autosomal recessive limb-girdle muscular dystrophy type 2J. Last evaluated: 2024-04-25. Review status: criteria provided, single submitter. Criteria: Invitae Variant Classification Sherloc (09022015). Collection method: clinical testing. Allele origin: germline.
Comment: This sequence change creates a premature translational stop signal (p.Lys17329*) in the TTN gene. While this is not anticipated to result in nonsense mediated decay, it is expected to create a truncated TTN protein. This variant is not present in population databases (gnomAD no frequency). This variant has not been reported in the literature in individuals affected with TTN-related conditions. This variant is located in the A band of TTN (PMID: 25589632). Truncating variants in this region are significantly overrepresented in patients affected with dilated cardiomyopathy (PMID: 25589632). Truncating variants in this region have also been reported in individuals affected with autosomal recessive centronuclear myopathy (PMID: 23975875). In summary, the currently available evidence indicates that the variant is pathogenic, but additional data are needed to prove that conclusively. Therefore, this variant has been classified as Likely Pathogenic.

Literature cited by the submitters: PubMed 25589632; PubMed 23975875.

NM_001267550.2(TTN):c.51985A>T (p.Lys17329Ter)

Genes: TTN (titin; minus strand), TTN-AS1 (TTN antisense RNA 1; plus strand). Cytogenetic location: 2q31.2.
Variant type: single nucleotide variant.
Coding change: c.51985A>T on transcript NM_001267550.2 (MANE Select); coding-DNA position 51985, A replaced by T.
Protein change: p.Lys17329Ter; replaces lysine 17329 with a stop codon.
Molecular consequence: nonsense.
Genome position (GRCh38, 1-based): chr2:178,609,325, T>A on the plus strand (A>T on the coding strand, the complement: TTN is on the minus strand). VCF-style: chr2-178609325-T-A. GRCh37 (hg19) VCF-style: chr2-179474052-T-A.
Other names: c.47062A>T, p.Lys15688Ter (NM_001256850.1); c.24790A>T, p.Lys8264Ter (NM_003319.4); c.44281A>T, p.Lys14761Ter (NM_133378.4); c.25165A>T, p.Lys8389Ter (NM_133432.3); c.25366A>T, p.Lys8456Ter (NM_133437.4); short protein forms K14761*, K15688*, K17329*, K8264*, K8389*, K8456*.
Identifiers: ClinVar variation 3756006 (VCV003756006.2).
Genomic context (GRCh38, chr2:178,609,325, plus strand): 5'-TCATATACAGACCATGGTCAGGTCGGAGAGAATCTCGGACGCGTAGCTGAGATTCTCCCT[T>A]TTTGCTGTTGTCAATACTCAAACGCTGTGTCAGAGGCAGGACAAATGGTTCTTCTTCTTG-3'